The following is an entry in ClinVar:

NM_000256.3(MYBPC3):c.1841A>G (p.Tyr614Cys)

Gene: MYBPC3 (myosin binding protein C3; minus strand). Cytogenetic location: 11p11.2.
Variant type: single nucleotide variant.
Coding change: c.1841A>G on transcript NM_000256.3 (MANE Select); coding-DNA position 1841, A replaced by G.
Protein change: p.Tyr614Cys; replaces tyrosine 614 with cysteine.
Molecular consequence: missense variant.
Genome position (GRCh38, 1-based): chr11:47,341,194, T>C on the plus strand (A>G on the coding strand, the complement: MYBPC3 is on the minus strand). VCF-style: chr11-47341194-T-C. GRCh37 (hg19) VCF-style: chr11-47362745-T-C.
Other names: p.Y614C:TAC>TGC; short protein forms Y614C.
Identifiers: ClinVar variation 164096 (VCV000164096.13), dbSNP rs727503194, ClinGen allele CA011318.

ClinVar aggregate classification (germline): Uncertain significance. Review status: criteria provided, multiple submitters, no conflicts (2 of 4 stars). 4 submissions from 4 submitters: Uncertain significance (3). 1 of the submissions does not count toward it. Last evaluated 2026-01-25.

Conditions:
Cardiomyopathy (CMYO). Also called: Cardiomyopathies. Identifiers: Orphanet 167848, MedGen C0878544, MONDO:0004994, HP:0001638. Inheritance: Various modes of inheritance.
Hypertrophic cardiomyopathy. Also called: HYPERTROPHIC MYOCARDIOPATHY. Identifiers: Orphanet 217569, MedGen C0007194, MeSH D002312, MONDO:0005045, HP:0001639.

Submissions (4):

Labcorp Genetics (formerly Invitae), Labcorp
Classification: Uncertain significance for Hypertrophic cardiomyopathy. Last evaluated: 2026-01-25. Review status: criteria provided, single submitter. Criteria: Invitae Variant Classification Sherloc (09022015). Collection method: clinical testing. Allele origin: germline.
Comment: This sequence change replaces tyrosine, which is neutral and polar, with cysteine, which is neutral and slightly polar, at codon 614 of the MYBPC3 protein (p.Tyr614Cys). This variant is not present in population databases (gnomAD no frequency). This missense change has been observed in individual(s) with hypertrophic cardiomyopathy (PMID: 27532257, 37652022). ClinVar contains an entry for this variant (Variation ID: 164096). An algorithm developed to predict the effect of missense changes on protein structure and function (PolyPhen-2) suggests that this variant is likely to be disruptive. In summary, the available evidence is currently insufficient to determine the role of this variant in disease. Therefore, it has been classified as a Variant of Uncertain Significance.

GeneDx
Classification: Uncertain significance. Last evaluated: 2020-05-13. Review status: criteria provided, single submitter. Criteria: GeneDx Variant Classification Process June 2021. Collection method: clinical testing. Allele origin: germline. Affected: yes.
Comment: Reported in association with HCM in the published literature (Walsh et al., 2017); Not observed in large population cohorts (Lek et al., 2016); Reported in ClinVar (ClinVar Variant ID# 164096; Landrum et al., 2016); In silico analysis supports that this missense variant has a deleterious effect on protein structure/function; This variant is associated with the following publications: (PMID: 27532257)

CHEO Genetics Diagnostic Laboratory, Children's Hospital of Eastern Ontario
Classification: Uncertain significance for Cardiomyopathy. Last evaluated: 2016-08-19. Review status: criteria provided, single submitter. Criteria: ACMG Guidelines, 2015. Collection method: clinical testing. Allele origin: germline. Study: Canadian Open Genetics Repository.

Laboratory for Molecular Medicine, Mass General Brigham Personalized Medicine
Classification: Uncertain significance. Last evaluated: 2013-01-30. Review status: no assertion criteria provided. Collection method: clinical testing. Allele origin: germline. Observed: 1 variant allele. Not counted in ClinVar's aggregate classification.
Comment: proposed classification - variant undergoing re-assessment, contact laboratory

Literature cited by the submitters: PubMed 27532257 (cited by Labcorp Genetics (formerly Invitae), Labcorp and Laboratory for Molecular Medicine, Mass General Brigham Personalized Medicine); PubMed 37652022 (cited by Labcorp Genetics (formerly Invitae), Labcorp).